The following is an entry in ClinVar:

ClinVar aggregate classification (germline): Uncertain significance. Review status: criteria provided, multiple submitters, no conflicts (2 of 4 stars). 2 submissions from 2 submitters: Uncertain significance (2). Last evaluated 2025-02-20.

Conditions:
Autosomal dominant epilepsy with auditory features. Identifiers: Orphanet 101046, MedGen C1838062, MONDO:0010898.
Epilepsy, familial temporal lobe, 1. Identifiers: Orphanet 101046, MedGen CN030884, MONDO:0700090, OMIM 600512.

Allele frequency attached by ClinVar (database versions not stated): gnomAD exomes below 0.00001; ExAC 0.00001; TOPMed 0.00001; gnomAD 0.00002.
gnomAD v4.1: 8 of 1,609,302 alleles (0.0005%); highest among the groups gnomAD compares: African/African-American, 0.004%; no homozygotes.

Submissions (2):

Labcorp Genetics (formerly Invitae), Labcorp
Classification: Uncertain significance for Autosomal dominant epilepsy with auditory features. Last evaluated: 2025-02-20. Review status: criteria provided, single submitter. Criteria: Invitae Variant Classification Sherloc (09022015). Collection method: clinical testing. Allele origin: germline.
Comment: This sequence change replaces serine, which is neutral and polar, with leucine, which is neutral and non-polar, at codon 92 of the LGI1 protein (p.Ser92Leu). This variant is present in population databases (rs772750463, gnomAD 0.0009%). This variant has not been reported in the literature in individuals affected with LGI1-related conditions. ClinVar contains an entry for this variant (Variation ID: 931902). Invitae Evidence Modeling of protein sequence and biophysical properties (such as structural, functional, and spatial information, amino acid conservation, physicochemical variation, residue mobility, and thermodynamic stability) indicates that this missense variant is not expected to disrupt LGI1 protein function with a negative predictive value of 80%. Algorithms developed to predict the effect of sequence changes on RNA splicing suggest that this variant may disrupt the consensus splice site. In summary, the available evidence is currently insufficient to determine the role of this variant in disease. Therefore, it has been classified as a Variant of Uncertain Significance.

Centre for Mendelian Genomics, University Medical Centre Ljubljana
Classification: Uncertain significance for Epilepsy, familial temporal lobe, 1. Last evaluated: 2020-04-02. Review status: criteria provided, single submitter. Criteria: ACMG Guidelines, 2015. Collection method: clinical testing. Allele origin: unknown. Affected: yes.
Comment: This variant was classified as: Uncertain significance. The available evidence on this variant's pathogenicity is insufficient or conflicting. The following ACMG criteria were applied in classifying this variant: PP3.

NM_005097.4(LGI1):c.275C>T (p.Ser92Leu)

Gene: LGI1 (leucine rich glioma inactivated 1; plus strand). Cytogenetic location: 10q23.33.
Variant type: single nucleotide variant.
Coding change: c.275C>T on transcript NM_005097.4 (MANE Select); coding-DNA position 275, C replaced by T.
Protein change: p.Ser92Leu; replaces serine 92 with leucine.
Molecular consequence: missense variant. On other transcripts: non-coding transcript variant (1).
Genome position (GRCh38, 1-based): chr10:93,758,819, C>T. VCF-style: chr10-93758819-C-T. GRCh37 (hg19) VCF-style: chr10-95518576-C-T.
Other names: c.275C>T, p.Ser92Leu (NM_001308275.2, NM_001308276.2); short protein forms S92L.
Identifiers: ClinVar variation 931902 (VCV000931902.5), dbSNP rs772750463, ClinGen allele CA5611038.